The following is an entry in ClinVar:

ClinVar aggregate classification (germline): Uncertain significance (1 of 4 stars; one submission).

Conditions:
Inborn genetic diseases. Identifiers: MedGen C0950123, MeSH D030342.

Submission:

Ambry Genetics
Classification: Uncertain significance for Inborn genetic diseases. Last evaluated: 2025-05-16. Review status: criteria provided, single submitter. Criteria: Ambry Variant Classification Scheme 2023. Collection method: clinical testing. Allele origin: germline.
Comment: The p.G972D variant (also known as c.2915G>A), located in coding exon 30 of the FANCA gene, results from a G to A substitution at nucleotide position 2915. The glycine at codon 972 is replaced by aspartic acid, an amino acid with similar properties. This amino acid position is conserved. In addition, this alteration is predicted to be deleterious by in silico analysis. Based on the available evidence, the clinical significance of this variant remains unclear.

NM_000135.4(FANCA):c.2915G>A (p.Gly972Asp)

Gene: FANCA (FA complementation group A; minus strand). Cytogenetic location: 16q24.3.
Variant type: single nucleotide variant.
Coding change: c.2915G>A on transcript NM_000135.4 (MANE Select); coding-DNA position 2915, G replaced by A.
Protein change: p.Gly972Asp; replaces glycine 972 with aspartic acid.
Molecular consequence: missense variant.
Genome position (GRCh38, 1-based): chr16:89,758,643, C>T on the plus strand (G>A on the coding strand, the complement: FANCA is on the minus strand). VCF-style: chr16-89758643-C-T. GRCh37 (hg19) VCF-style: chr16-89825051-C-T.
Other names: c.2915G>A, p.Gly972Asp (NM_001286167.3); short protein forms G972D.
Identifiers: ClinVar variation 4022277 (VCV004022277.1).
Genomic context (GRCh38, chr16:89,758,643, plus strand): 5'-TGGAAATCCATCAGTGCGTTGACAAGAATGGTACACGCAGCCTGCAGGTCTCCGTCACAG[C>T]CCCCTGAAGCCGAGGACTCAGGGAGAAAGTGCTCATGGATCGCCCACTGGTGGAAGTCCT-3'
Protein context (NP_000126.2, residues 962-982): HFLPESSASG[Gly972Asp]CDGDLQAACT